The following is an entry in ClinVar:

ClinVar aggregate classification (germline): Uncertain significance. Review status: criteria provided, multiple submitters, no conflicts (2 of 4 stars). 5 submissions from 5 submitters: Uncertain significance (5). Last evaluated 2025-12-30.

Conditions:
Hereditary cancer-predisposing syndrome. Also called: Hereditary Cancer Syndrome; Hereditary neoplastic syndrome; Tumor predisposition; Neoplastic Syndromes, Hereditary. Identifiers: Orphanet 140162, MedGen C0027672, MeSH D009386, MONDO:0015356.
Fanconi anemia (FA). Also called: Fanconi's anemia. Identifiers: Orphanet 84, MedGen C0015625, MeSH D005199, MONDO:0019391.

Allele frequency attached by ClinVar (database versions not stated): gnomAD 0.00011 and 0.00012; ESP Exome Variant Server 0.00015; ExAC 0.00016; gnomAD exomes 0.00013; TOPMed 0.00013.
gnomAD v4.1: 204 of 1,613,484 alleles (0.013%); highest among the groups gnomAD compares: African/African-American, 0.016%; no homozygotes.

Submissions (5):

Labcorp Genetics (formerly Invitae), Labcorp
Classification: Uncertain significance for Fanconi anemia. Last evaluated: 2025-12-30. Review status: criteria provided, single submitter. Criteria: Invitae Variant Classification Sherloc (09022015). Collection method: clinical testing. Allele origin: germline.
Comment: This sequence change replaces isoleucine, which is neutral and non-polar, with valine, which is neutral and non-polar, at codon 180 of the FANCM protein (p.Ile180Val). This variant is present in population databases (rs151248588, gnomAD 0.02%). This variant has not been reported in the literature in individuals affected with FANCM-related conditions. ClinVar contains an entry for this variant (Variation ID: 656065). An algorithm developed to predict the effect of missense changes on protein structure and function outputs the following: PolyPhen-2: "Benign". The valine amino acid residue is found in multiple mammalian species, which suggests that this missense change does not adversely affect protein function. In summary, the available evidence is currently insufficient to determine the role of this variant in disease. Therefore, it has been classified as a Variant of Uncertain Significance.

Dasa
Classification: Uncertain significance. Last evaluated: 2025-05-06. Review status: criteria provided, single submitter. Criteria: DASA Assertion Criteria. Collection method: clinical testing. Allele origin: germline.
Comment: NM_020937.4(FANCM):c.538A>G (p.Ile180Val) is a missense variant that results in the substitution of isoleucine with valine. This variant is rare in population databases. Computational prediction algorithms are consistent with a benign effect. The currently available literature and clinical evidence are not sufficient to establish a definitive association between this variant and the reported condition. Therefore, this variant is classified as a variant of uncertain significance.

GeneDx
Classification: Uncertain significance. Last evaluated: 2025-04-14. Review status: criteria provided, single submitter. Criteria: GeneDx Variant Classification Process June 2021. Collection method: clinical testing. Allele origin: germline. Affected: yes.
Comment: In silico analysis indicates that this missense variant does not alter protein structure/function; Observed in individuals with ovarian cancer (PMID: 28881617); This variant is associated with the following publications: (PMID: 28881617)

Quest Diagnostics Nichols Institute San Juan Capistrano
Classification: Uncertain significance. Last evaluated: 2025-03-14. Review status: criteria provided, single submitter. Criteria: Quest Diagnostics criteria. Collection method: clinical testing. Allele origin: unknown.
Comment: The FANCM c.538A>G (p.Ile180Val) variant has been reported in the published literature in individuals/families affected with breast and/or ovarian cancer (PMID: 27153395 (2016), 28881617 (2017), 30306255 (2018)). This variant has also been identified in affected and reportedly healthy individuals in a large-scale breast cancer association study (PMID: 33471991 (2021), see also LOVD). The frequency of this variant in the general population (Genome Aggregation Database) is uninformative in the assessment of its pathogenicity. Analysis of this variant using bioinformatics tools for the prediction of the effect of amino acid changes on protein structure and function yielded predictions that this variant is benign. Based on the available information, we are unable to determine the clinical significance of this variant.

Sema4
Classification: Uncertain significance for Hereditary cancer-predisposing syndrome. Last evaluated: 2021-06-30. Review status: criteria provided, single submitter. Criteria: Sema4 Curation Guidelines. Collection method: curation. Allele origin: germline.
Comment: The FANCM c.538A>G (p.I180V) variant has been reported in 3 individuals with ovarian cancer (PMID 28881617). This variant was observed in 29/129136 chromosomes in the Non-Finnish European population, according to the Genome Aggregation Database (PMID: 32461654). This variant has been reported in ClinVar (Variation ID 656065). In silico tools suggest the impact of the variant on protein function is benign, though these predictions have not been confirmed by functional studies. The overall evidence is insufficient to meet ACMG/AMP criteria for classifying it as benign or pathogenic. In summary, the clinical significance of this variant is currently uncertain.

Literature cited by the submitters: PubMed 33471991 (cited by Quest Diagnostics Nichols Institute San Juan Capistrano); PubMed 28881617 (cited by Quest Diagnostics Nichols Institute San Juan Capistrano and Sema4); PubMed 27153395 (cited by Quest Diagnostics Nichols Institute San Juan Capistrano); PubMed 30306255 (cited by Quest Diagnostics Nichols Institute San Juan Capistrano); PubMed 38872153 (cited by Quest Diagnostics Nichols Institute San Juan Capistrano).

NM_020937.4(FANCM):c.538A>G (p.Ile180Val)

Gene: FANCM (FA complementation group M; plus strand). Cytogenetic location: 14q21.2.
Variant type: single nucleotide variant.
Coding change: c.538A>G on transcript NM_020937.4 (MANE Select); coding-DNA position 538, A replaced by G.
Protein change: p.Ile180Val; replaces isoleucine 180 with valine.
Molecular consequence: missense variant.
Genome position (GRCh38, 1-based): chr14:45,137,098, A>G. VCF-style: chr14-45137098-A-G. GRCh37 (hg19) VCF-style: chr14-45606301-A-G.
Other names: c.538A>G (NM_020937.3); c.538A>G, p.Ile180Val (NM_001308133.2, NM_001308134.2); short protein forms I180V.
Identifiers: ClinVar variation 656065 (VCV000656065.18), dbSNP rs151248588, ClinGen allele CA7168798.
Genomic context (GRCh38, chr14:45,137,098, plus strand): 5'-TTAGAATGTAGAATGTCACTTTTATTTTCAGGGTCTACACAAGCTTCCACCAGGAAGGAA[A>G]TATGGTGCAGTAAGAGAGTGCTTTTTCTTACACCTCAGGTCATGGTAAATGACCTTTCTA-3'
Protein context (NP_065988.1, residues 170-190): GSTQASTRKE[Ile180Val]WCSKRVLFLT